The following is an entry in ClinVar:

NM_000179.3(MSH6):c.136_158del (p.Gly46fs)

Gene: MSH6 (mutS homolog 6; plus strand). Cytogenetic location: 2p16.3.
Variant type: Deletion.
Coding change: c.136_158del on transcript NM_000179.3 (MANE Select); coding-DNA positions 136 to 158, 23 bases deleted (GGGGATGCGGCCTGGAGCGAGGC).
Protein change: p.Gly46fs; shifts the reading frame from glycine 46.
Molecular consequence: frameshift variant. On other transcripts: 5 prime UTR variant (7), non-coding transcript variant (5), intron variant (5).
Genome position (GRCh38, 1-based): chr2:47,783,369-47,783,391, GGGGATGCGGCCTGGAGCGAGGC deleted; deleting any 23 consecutive bases within chr2:47,783,365-47,783,391 gives the same sequence; the c. name uses the placement nearest the transcript's 3' end. VCF-style (leftmost placement, unchanged base first): chr2-47783364-CAGGCGGGGATGCGGCCTGGAGCG-C. GRCh37 (hg19) VCF-style: chr2-48010503-CAGGCGGGGATGCGGCCTGGAGCG-C.
Other names: c.136_158del, p.Gly46fs (NM_001281492.2, NM_001406795.1, NM_001406796.1 and 9 more transcripts); c.-601_-579del (NM_001281493.2, NM_001406811.1); c.-193_-171del (NM_001406799.1); c.81_103del, p.Met29fs (NM_001406804.1); c.-793_-771del (NM_001406807.1); c.-448_-426del (NM_001406812.1); c.-859_-837del (NM_001406814.1); c.-404_-382del (NM_001406816.1); and 3 more; short protein forms G46fs, M29fs.
Identifiers: ClinVar variation 2673645 (VCV002673645.2), dbSNP rs2530318204, ClinGen allele CA2695200726.

ClinVar aggregate classification (germline): Pathogenic/Likely pathogenic. Review status: criteria provided, multiple submitters, no conflicts (2 of 4 stars). 2 submissions from 2 submitters: Pathogenic (1); Likely pathogenic (1). Last evaluated 2023-08-09.

Conditions:
Endometrial carcinoma. Also called: Endometrial carcinoma, somatic. Identifiers: MedGen C0476089, MONDO:0002447, OMIM 608089, HP:0012114.
Lynch syndrome 5 (LYNCH5). Also called: Colorectal cancer, hereditary nonpolyposis, type 5; Hereditary non-polyposis colorectal cancer, type 5. Identifiers: Orphanet 144, MedGen C1833477, MONDO:0013710, OMIM 614350. Disease mechanism: loss of function.

Submissions (2):

Myriad Genetics, Inc.
Classification: Pathogenic for Lynch syndrome 5. Last evaluated: 2023-08-09. Review status: criteria provided, single submitter. Criteria: Myriad Autosomal Dominant, Autosomal Recessive and X-Linked Classification Criteria (2023). Collection method: clinical testing. Allele origin: unknown.
Comment: This variant is considered pathogenic. This variant creates a frameshift predicted to result in premature protein truncation.

Baylor Genetics
Classification: Likely pathogenic for Endometrial carcinoma. Last evaluated: 2022-03-31. Review status: criteria provided, single submitter. Criteria: ACMG Guidelines, 2015. Collection method: clinical testing. Allele origin: unknown.